The following is an entry in ClinVar:

GRCh37/hg19 6p21.1(chr6:45319017-45383847)x3

Genes: RUNX2 (RUNX family transcription factor 2; plus strand), SUPT3H (SPT3 homolog, SAGA and STAGA complex component; minus strand). Cytogenetic location: 6p21.1.
Variant type: copy number gain.
Change: copy number 3 (three copies instead of two) of chr6:45,319,017-45,383,847 (64.8 kb, GRCh37 coordinates, 1-based), cytogenetic band 6p21.1.
Identifiers: ClinVar variation 395551 (VCV000395551.3).

ClinVar aggregate classification (germline): conflicting data from submitters (0 of 4 stars; one submission).

Submission:

ISCA Site 6
Classification: conflicting data from submitters. Review status: no assertion criteria provided. Collection method: clinical testing. Allele origin: paternal, unknown. Affected: yes. Observed: 2 variant alleles.
Comment: Pathogenic(1), Uncertain significance(1)

Copy number variation identified through the course of routine clinical cytogenomic testing in postnatal populations, with clinical assertions as classified by the original submitter. For data from the original published study, Kaminsky, et al. 2011 (PubMed 21844811), please see nstd101.